The following is an entry in ClinVar:

NM_004100.5(EYA4):c.263C>G (p.Pro88Arg)

Gene: EYA4 (EYA transcriptional coactivator and phosphatase 4; plus strand). Cytogenetic location: 6q23.2.
Variant type: single nucleotide variant.
Coding change: c.263C>G on transcript NM_004100.5 (MANE Select); coding-DNA position 263, C replaced by G.
Protein change: p.Pro88Arg; replaces proline 88 with arginine.
Molecular consequence: missense variant. On other transcripts: intron variant (4).
Genome position (GRCh38, 1-based): chr6:133,448,165, C>G. VCF-style: chr6-133448165-C-G. GRCh37 (hg19) VCF-style: chr6-133769303-C-G.
Other names: c.263C>G, p.Pro88Arg (NM_001301013.2, NM_172105.4); c.208+1411C>G (NM_001370458.1, NM_172103.4, NM_001370459.1 and 1 more transcripts); short protein forms P88R.
Identifiers: ClinVar variation 163443 (VCV000163443.19), dbSNP rs727503050, ClinGen allele CA176091.

ClinVar aggregate classification (germline): Uncertain significance. Review status: criteria provided, multiple submitters, no conflicts (2 of 4 stars). 7 submissions from 7 submitters: Uncertain significance (7). Last evaluated 2025-10-07.

Conditions:
Cardiovascular phenotype. Identifiers: MedGen CN230736.
Dilated cardiomyopathy 1J (CMD1J). Also called: CARDIOMYOPATHY, DILATED, WITH SENSORINEURAL HEARING LOSS, AUTOSOMAL DOMINANT. Identifiers: Orphanet 217622, MedGen C1854368, MONDO:0011541, OMIM 605362.
Autosomal dominant nonsyndromic hearing loss 10. Identifiers: Orphanet 90635, MedGen C1832476, MONDO:0011031, OMIM 601316.

Allele frequency attached by ClinVar (database versions not stated): gnomAD exomes 0.00002; TOPMed 0.00002; gnomAD 0.00003 and 0.00004.
gnomAD v4.1: 20 of 1,612,934 alleles (0.0012%); highest among the groups gnomAD compares: Admixed American, 0.03%; no homozygotes.

Submissions (7):

Labcorp Genetics (formerly Invitae), Labcorp
Classification: Uncertain significance for Dilated cardiomyopathy 1J. Last evaluated: 2025-10-07. Review status: criteria provided, single submitter. Criteria: Invitae Variant Classification Sherloc (09022015). Collection method: clinical testing. Allele origin: germline.
Comment: This sequence change replaces proline, which is neutral and non-polar, with arginine, which is basic and polar, at codon 88 of the EYA4 protein (p.Pro88Arg). This variant is present in population databases (rs727503050, gnomAD 0.01%). This variant has not been reported in the literature in individuals affected with EYA4-related conditions. ClinVar contains an entry for this variant (Variation ID: 163443). An algorithm developed to predict the effect of missense changes on protein structure and function (PolyPhen-2) suggests that this variant is likely to be disruptive. In summary, the available evidence is currently insufficient to determine the role of this variant in disease. Therefore, it has been classified as a Variant of Uncertain Significance.

Ambry Genetics
Classification: Uncertain significance for Cardiovascular phenotype. Last evaluated: 2025-08-30. Review status: criteria provided, single submitter. Criteria: Ambry Variant Classification Scheme 2023. Collection method: clinical testing. Allele origin: germline.

Women's Health and Genetics/Laboratory Corporation of America, LabCorp
Classification: Uncertain significance. Last evaluated: 2025-02-03. Review status: criteria provided, single submitter. Criteria: LabCorp Variant Classification Summary - May 2015. Collection method: clinical testing. Allele origin: germline.

Blueprint Genetics
Classification: Uncertain significance. Last evaluated: 2024-07-12. Review status: criteria provided, single submitter. Criteria: ACMG Guidelines, 2015. Collection method: clinical testing. Allele origin: germline.

GeneDx
Classification: Uncertain significance. Last evaluated: 2024-06-12. Review status: criteria provided, single submitter. Criteria: GeneDx Variant Classification Process June 2021. Collection method: clinical testing. Allele origin: germline. Affected: yes.
Comment: Has not been previously published as pathogenic or benign to our knowledge; Not observed at significant frequency in large population cohorts (gnomAD); In silico analysis indicates that this missense variant does not alter protein structure/function

Laboratory for Molecular Medicine, Mass General Brigham Personalized Medicine
Classification: Uncertain significance. Last evaluated: 2014-07-29. Review status: criteria provided, single submitter. Criteria: LMM Criteria. Collection method: clinical testing. Allele origin: germline. Observed: 1 variant allele.
Comment: The Pro88Arg variant in EYA4 has not been previously reported in individuals wit h hearing loss or in large population studies. Computational prediction tools an d conservation analyses do not provide strong support for or against an impact t o the protein. In summary, the clinical significance of the Pro88Arg variant is uncertain.

Center for Genomics, Ann and Robert H. Lurie Children's Hospital of Chicago
Classification: Uncertain significance for Dilated cardiomyopathy 1J; Autosomal dominant nonsyndromic hearing loss 10. Review status: criteria provided, single submitter. Criteria: ACMG Guidelines, 2015. Collection method: clinical testing. Allele origin: germline.
Comment: EYA4 NM_004100.4 exon 5 p.Pro88Arg (c.263C>G): This variant has not been reported in the literature but is present in 0.01% (5/35438) of Latino alleles in the Genome Aggregation Database. This variant is present in ClinVar (Variation ID:163443). Evolutionary conservation and computational predictive tools for this variant are unclear. In summary, data on this variant is insufficient for disease classification. Therefore, the clinical significance of this variant is uncertain.